The following is an entry in ClinVar:

ClinVar aggregate classification (germline): Uncertain significance (1 of 4 stars; one submission).

Submission:

Labcorp Genetics (formerly Invitae), Labcorp
Classification: Uncertain significance. Last evaluated: 2022-10-16. Review status: criteria provided, single submitter. Criteria: Invitae Variant Classification Sherloc (09022015). Collection method: clinical testing. Allele origin: germline.
Comment: In summary, the available evidence is currently insufficient to determine the role of this variant in disease. Therefore, it has been classified as a Variant of Uncertain Significance. Algorithms developed to predict the effect of sequence changes on RNA splicing suggest that this variant may disrupt the consensus splice site. This variant has not been reported in the literature in individuals affected with PDE6C-related conditions. This variant is not present in population databases (gnomAD no frequency). This sequence change falls in intron 1 of the PDE6C gene. It does not directly change the encoded amino acid sequence of the PDE6C protein.

NM_006204.4(PDE6C):c.481-5_481-4del

Gene: PDE6C (phosphodiesterase 6C; plus strand). Cytogenetic location: 10q23.33.
Variant type: Deletion.
Coding change: c.481-5_481-4del on transcript NM_006204.4 (MANE Select); 5 bases into the intron before coding-DNA position 481 through 4 bases into the intron before coding-DNA position 481, 2 bases deleted (TT; older notation c.481-5_481-4delTT).
Molecular consequence: intron variant.
Genome position (GRCh38, 1-based): chr10:93,620,627-93,620,628, TT deleted; deleting any 2 consecutive bases within chr10:93,620,626-93,620,628 gives the same sequence; the c. name uses the placement nearest the transcript's 3' end. VCF-style (leftmost placement, unchanged base first): chr10-93620625-CTT-C. GRCh37 (hg19) VCF-style: chr10-95380382-CTT-C.
Identifiers: ClinVar variation 2035821 (VCV002035821.4), dbSNP rs2492504007, ClinGen allele CA2580082476.